The following is an entry in ClinVar:

ClinVar aggregate classification (germline): Uncertain significance. Review status: criteria provided, multiple submitters, no conflicts (2 of 4 stars). 5 submissions from 5 submitters: Uncertain significance (5). Last evaluated 2021-08-25.

Conditions:
Cardiovascular phenotype. Identifiers: MedGen CN230736.
Dilated cardiomyopathy 1G (CMD1G). Identifiers: Orphanet 154, MedGen C1858763, MONDO:0011400, OMIM 604145.
Autosomal recessive limb-girdle muscular dystrophy type 2J (LGMDR10). Also called: Limb-girdle muscular dystrophy, type 2J; MUSCULAR DYSTROPHY, LIMB-GIRDLE, AUTOSOMAL RECESSIVE 10. Identifiers: Orphanet 140922, MedGen C1837342, MONDO:0012127, OMIM 608807.
Hypertrophic cardiomyopathy 9. Also called: Familial hypertrophic cardiomyopathy 9. Identifiers: MedGen C1861065, MONDO:0013412, OMIM 613765.
Tibial muscular dystrophy (TMD). Also called: Tibial muscular dystrophy, tardive; UDD MYOPATHY; Udd Distal Myopathy – Tibial Muscular Dystrophy. Identifiers: Orphanet 609, MedGen C1838244, MONDO:0010870, OMIM 600334.
Myopathy, myofibrillar, 9, with early respiratory failure (MFM9). Also called: MYOPATHY, PROXIMAL, WITH EARLY RESPIRATORY MUSCLE INVOLVEMENT; Myopathy, distal, with early respiratory failure, autosomal dominant; Hereditary myopathy with early respiratory failure; EDSTROM MYOPATHY. Identifiers: Orphanet 178464, Orphanet 34521, MedGen C1863599, MONDO:0011362, OMIM 603689.
Early-onset myopathy with fatal cardiomyopathy (CMYO5). Also called: CONGENITAL MYOPATHY 5 WITH CARDIOMYOPATHY; Salih Myopathy. Identifiers: Orphanet 289377, MedGen C2673677, MONDO:0012714, OMIM 611705. Disease mechanism: loss of function.

Allele frequency attached by ClinVar (database versions not stated): gnomAD exomes 0.00002 and 0.00008; ExAC 0.00007; gnomAD 0.00007 and 0.00009; TOPMed 0.00009; 1000 Genomes Project 30x 0.00016; 1000 Genomes Project 0.00020.
gnomAD v4.1: 44 of 1,614,066 alleles (0.0027%); highest among the groups gnomAD compares: East Asian, 0.078%; no homozygotes.

Submissions (5):

Fulgent Genetics
Classification: Uncertain significance for Tibial muscular dystrophy; Myopathy, myofibrillar, 9, with early respiratory failure; Dilated cardiomyopathy 1G; Autosomal recessive limb-girdle muscular dystrophy type 2J; Early-onset myopathy with fatal cardiomyopathy; Hypertrophic cardiomyopathy 9. Last evaluated: 2021-08-25. Review status: criteria provided, single submitter. Criteria: ACMG Guidelines, 2015. Collection method: clinical testing. Allele origin: unknown.

Labcorp Genetics (formerly Invitae), Labcorp
Classification: Uncertain significance for Dilated cardiomyopathy 1G; Autosomal recessive limb-girdle muscular dystrophy type 2J. Last evaluated: 2017-11-12. Review status: criteria provided, single submitter. Criteria: Invitae Variant Classification Sherloc (09022015). Collection method: clinical testing. Allele origin: germline.

GeneDx
Classification: Uncertain significance. Last evaluated: 2014-07-08. Review status: criteria provided, single submitter. Criteria: GeneDx Variant Classification (06012015). Collection method: clinical testing. Allele origin: germline. Affected: yes.
Comment: Missense variants in the TTN gene are considered 'unclassified' if they are not previously reported in the literature and do not have >1% frequency in the population to be considered a polymorphism. Research indicates that truncating mutations in the TTN gene are expected to account for approximately 25% of familial and 18% of sporadic idiopathic DCM; however, truncating variants in the TTN gene have been reported in approximately 3% of reported control alleles. There has been little investigation into non-truncating variants. (Herman D et al. Truncations of titin causing dilated cardiomyopathy. N Eng J Med 366:619-628, 2012) The variant is found in CARDIOMYOPATHY panel(s).

Ambry Genetics
Classification: Uncertain significance for Cardiovascular phenotype. Last evaluated: 2013-09-20. Review status: criteria provided, single submitter. Criteria: Ambry Autosomal Dominant and X-Linked criteria (10/2015). Collection method: clinical testing. Allele origin: germline. Observed: 1 variant allele.
Comment: The p.Q3191E variant (also known as c.9571C>G) is located in coding exon 40 of the TTN gene. This alteration results from a C to G substitution at nucleotide position 9571. The glutamine at codon 3191 is replaced by glutamic acid, an amino acid with highly similar properties. This variant was previously reported in the SNPDatabase as rs33997263. Based on data from the 1000 Genomes Project, the G-allele has an overall frequency of approximately 0.05% (1/2184). The highest observed frequency was 0.52% (1/194) Han Chinese chromosomes studied. This amino acid position is poorly conserved on sequence alignment. This variant is predicted to be benign by PolyPhen in silico analyses. Since supporting evidence is limited at this time, the clinical significance of p.Q3191E remains unclear.

Laboratory for Molecular Medicine, Mass General Brigham Personalized Medicine
Classification: Uncertain significance. Last evaluated: 2012-10-17. Review status: criteria provided, single submitter. Criteria: LMM Criteria. Collection method: clinical testing. Allele origin: germline. Observed: 1 variant allele.
Comment: Variant classified as Uncertain Significance - Favor Benign. The Gln3191Glu vari ant in TTN has not been reported in the literature nor previously identified by our laboratory. It has been identified in 1/94 Han Chinese chromosomes from a b road population by the 1000 Genomes project (dbSNP rs33997263). Computational a nalyses (biochemical amino acid properties, conservation, AlignGVGD, PolyPhen2, and SIFT) suggest that the Lys32641Gln variant may not impact the protein and se veral other species (including rat, birds, amphibians, and fish) carry a glutami c acid (Glu; this variant) despite high amino acid conservation nearby, suggesti ng that this variant may be tolerated, though this information is not predictive enough to rule out pathogenicity. This variant is more likely benign but at thi s time, additional information is needed to fully assess its clinical significan ce.

NM_001267550.2(TTN):c.9571C>G (p.Gln3191Glu)

Gene: TTN (titin; minus strand). Cytogenetic location: 2q31.2.
Variant type: single nucleotide variant.
Coding change: c.9571C>G on transcript NM_001267550.2 (MANE Select); coding-DNA position 9571, C replaced by G.
Protein change: p.Gln3191Glu; replaces glutamine 3191 with glutamic acid.
Molecular consequence: missense variant.
Genome position (GRCh38, 1-based): chr2:178,766,513, G>C on the plus strand (C>G on the coding strand, the complement: TTN is on the minus strand). VCF-style: chr2-178766513-G-C. GRCh37 (hg19) VCF-style: chr2-179631240-G-C.
Other names: p.Q3191E:CAA>GAA; c.9571C>G, p.Gln3191Glu (NM_001256850.1, NM_133378.4, NM_133379.5); c.9433C>G, p.Gln3145Glu (NM_003319.4, NM_133432.3, NM_133437.4); short protein forms Q3191E, Q3145E.
Identifiers: ClinVar variation 47660 (VCV000047660.11), dbSNP rs33997263, ClinGen allele CA141636.
Genomic context (GRCh38, chr2:178,766,513, plus strand): 5'-TGGTCTCAGAGATAAACATTCGGTGGATTCTTCTTTCCACTACATATTTGTGTCGTTCTT[G>C]AACTTGGAAATTGATTTCAATGCCATCTTTATACCAGTGGGCATCAACATCGTCTTCATT-3'
Protein context (NP_001254479.2, residues 3181-3201): KDGIEINFQV[Gln3191Glu]ERHKYVVERR